The following is an entry in ClinVar:

NM_000138.5(FBN1):c.5422+1del

Gene: FBN1 (fibrillin 1; minus strand). Cytogenetic location: 15q21.1.
Variant type: Deletion.
Coding change: c.5422+1del on transcript NM_000138.5 (MANE Select); the canonical splice donor site of the intron after coding-DNA position 5422, one base deleted (G; older notation c.5422+1delG).
Molecular consequence: splice donor variant.
Genome position (GRCh38, 1-based): chr15:48,456,636, C deleted on the plus strand (G on the coding strand, the reverse complement: FBN1 is on the minus strand); the first of 2 consecutive C bases (chr15:48,456,636-48,456,637); deleting either gives the same sequence. VCF-style (leftmost placement, unchanged base first): chr15-48456635-AC-A. GRCh37 (hg19) VCF-style: chr15-48748832-AC-A.
Other names: c.5422+1del (NM_001406716.1, LRG_778t1).
Identifiers: ClinVar variation 1325425 (VCV001325425.2), dbSNP rs2141260277, ClinGen allele CA2573150922.
Genomic context (GRCh38, chr15:48,456,635, plus strand): 5'-TGTATCAAGTAGCTCATCAGTTAGCTCTTTTCTGGATATGATAAAGTCATGATGCCACTT[AC>A]CTTCACAAACCAACAACTTGTCATTATAGAAGAATCCCACTGGACATTCACATCGGAAGC-3'

ClinVar aggregate classification (germline): Likely pathogenic (1 of 4 stars; one submission).

Conditions:
Marfan syndrome (MFS). Also called: Marfan syndrome type 1; Marfan's syndrome; FBN1-Related Marfan Syndrome; MARFAN SYNDROME, TYPE I; Marfan syndrome, classic. Identifiers: Orphanet 284963, Orphanet 558, MedGen C0024796, MONDO:0007947, OMIM 154700.

Submission:

Centre of Medical Genetics, University of Antwerp
Classification: Likely pathogenic for Marfan syndrome. Last evaluated: 2021-03-01. Review status: criteria provided, single submitter. Criteria: Submitter's publication. Collection method: research. Allele origin: unknown. Affected: yes.
Comment: PM2, PS7, PP4